The following is an entry in ClinVar:

ClinVar aggregate classification (germline): Uncertain significance (1 of 4 stars; one submission).

gnomAD v4.1: 30 of 1,612,628 alleles (0.0019%); highest among the groups gnomAD compares: Non-Finnish European, 0.0014%; no homozygotes.

Submission:

Labcorp Genetics (formerly Invitae), Labcorp
Classification: Uncertain significance. Last evaluated: 2022-04-28. Review status: criteria provided, single submitter. Criteria: Invitae Variant Classification Sherloc (09022015). Collection method: clinical testing. Allele origin: germline.
Comment: This sequence change replaces alanine, which is neutral and non-polar, with threonine, which is neutral and polar, at codon 731 of the ERCC6 protein (p.Ala731Thr). This variant is present in population databases (rs114423177, gnomAD 0.01%). This variant has not been reported in the literature in individuals affected with ERCC6-related conditions. Algorithms developed to predict the effect of missense changes on protein structure and function (SIFT, PolyPhen-2, Align-GVGD) all suggest that this variant is likely to be disruptive. In summary, the available evidence is currently insufficient to determine the role of this variant in disease. Therefore, it has been classified as a Variant of Uncertain Significance.

NM_000124.4(ERCC6):c.2191G>A (p.Ala731Thr)

Gene: ERCC6 (ERCC excision repair 6, chromatin remodeling factor; minus strand). Cytogenetic location: 10q11.23.
Variant type: single nucleotide variant.
Coding change: c.2191G>A on transcript NM_000124.4 (MANE Select); coding-DNA position 2191, G replaced by A.
Protein change: p.Ala731Thr; replaces alanine 731 with threonine.
Molecular consequence: missense variant.
Genome position (GRCh38, 1-based): chr10:49,478,449, C>T on the plus strand (G>A on the coding strand, the complement: ERCC6 is on the minus strand). VCF-style: chr10-49478449-C-T. GRCh37 (hg19) VCF-style: chr10-50686495-C-T.
Other names: c.2191G>A, p.Ala731Thr (NM_001346440.2); short protein forms A731T.
Identifiers: ClinVar variation 2191717 (VCV002191717.1), dbSNP rs114423177, ClinGen allele CA5495731.
Genomic context (GRCh38, chr10:49,478,449, plus strand): 5'-TGACATCTGACTTCATTCTCCGCAGTAGGTATGGATTTATGGTATCTCGTAAGACACATG[C>T]ACACTTGTAAGCAGTTTTGACCTTTAATAAGAGCAGAGAAGGGAACATTACTATATATGT-3'
Protein context (NP_000115.1, residues 721-741): PVQVKTAYKC[Ala731Thr]CVLRDTINPY